The following is an entry in ClinVar:

ClinVar aggregate classification (germline): Uncertain significance (1 of 4 stars; one submission).

gnomAD v4.1: 3 of 1,612,660 alleles (0.00019%); highest among the groups gnomAD compares: Non-Finnish European, 0.00025%; no homozygotes.

Submission:

Women's Health and Genetics/Laboratory Corporation of America, LabCorp
Classification: Uncertain significance. Last evaluated: 2025-12-04. Review status: criteria provided, single submitter. Criteria: LabCorp Variant Classification Summary - May 2015. Collection method: clinical testing. Allele origin: germline.
Comment: Variant summary: ADGRV1 c.5306A>C (p.Asp1769Ala) results in a non-conservative amino acid change in the encoded protein sequence. Algorithms developed to predict the effect of missense changes on protein structure and function all suggest that this variant is likely to be disruptive. The variant was absent in 247174 control chromosomes. The available data on variant occurrences in the general population are insufficient to allow any conclusion about variant significance. To our knowledge, no occurrence of c.5306A>C in individuals affected with ADGRV1-related conditions and no experimental evidence demonstrating its impact on protein function have been reported. No submitters have cited clinical-significance assessments for this variant to ClinVar. Based on the evidence outlined above, the variant was classified as uncertain significance.

NM_032119.4(ADGRV1):c.5306A>C (p.Asp1769Ala)

Gene: ADGRV1 (adhesion G protein-coupled receptor V1; plus strand). Cytogenetic location: 5q14.3.
Variant type: single nucleotide variant.
Coding change: c.5306A>C on transcript NM_032119.4 (MANE Select); coding-DNA position 5306, A replaced by C.
Protein change: p.Asp1769Ala; replaces aspartic acid 1769 with alanine.
Molecular consequence: missense variant. On other transcripts: non-coding transcript variant (1).
Genome position (GRCh38, 1-based): chr5:90,675,438, A>C. VCF-style: chr5-90675438-A-C. GRCh37 (hg19) VCF-style: chr5-89971255-A-C.
Other names: short protein forms D1769A.
Identifiers: ClinVar variation 4688581 (VCV004688581.1).
Genomic context (GRCh38, chr5:90,675,438, plus strand): 5'-TTCTGGGAAGGGTGACTGCGGAATTTAGAACAGTGTCCTTGACAGCATTCAGTCCTGAGG[A>C]TTACCAGGTAATTTACTCAGTCCTTTTGAAGTTGTATTTGCACTTGTAAAACAGACATAA-3'
Protein context (NP_115495.3, residues 1759-1779): TVSLTAFSPE[Asp1769Ala]YQNVAGTLEF